The following is an entry in ClinVar:

ClinVar aggregate classification (germline): Uncertain significance (1 of 4 stars; one submission).

Submission:

Ambry Genetics
Classification: Uncertain significance. Last evaluated: 2025-09-14. Review status: criteria provided, single submitter. Criteria: Ambry Variant Classification Scheme 2023. Collection method: clinical testing. Allele origin: germline.
Comment: The p.G573R variant (also known as c.1717G>A), located in coding exon 13 of the RECQL gene, results from a G to A substitution at nucleotide position 1717. The glycine at codon 573 is replaced by arginine, an amino acid with dissimilar properties. This amino acid position is conserved. In addition, this alteration is predicted to be deleterious by in silico analysis. Since supporting evidence is limited at this time, the clinical significance of this alteration remains unclear.

NM_002907.4(RECQL):c.1717G>A (p.Gly573Arg)

Genes: PYROXD1 (pyridine nucleotide-disulphide oxidoreductase domain 1; plus strand), RECQL (RecQ like helicase; minus strand). Cytogenetic location: 12p12.1.
Variant type: single nucleotide variant.
Coding change: c.1717G>A on transcript NM_002907.4 (MANE Select); coding-DNA position 1717, G replaced by A.
Protein change: p.Gly573Arg; replaces glycine 573 with arginine.
Molecular consequence: missense variant. On other transcripts: 3 prime UTR variant (3).
Genome position (GRCh38, 1-based): chr12:21,471,049, C>T on the plus strand (G>A on the coding strand, the complement: RECQL is on the minus strand). VCF-style: chr12-21471049-C-T. GRCh37 (hg19) VCF-style: chr12-21623983-C-T.
Other names: c.1717G>A, p.Gly573Arg (NM_032941.3); c.*2295C>T (NM_001350912.2, NM_001350913.2, NM_024854.5); short protein forms G573R.
Identifiers: ClinVar variation 2450971 (VCV002450971.3), dbSNP rs2540314335, ClinGen allele CA384114601.